The following is an entry in ClinVar:

NM_000069.3(CACNA1S):c.1004+1G>A

Gene: CACNA1S (calcium voltage-gated channel subunit alpha1 S; minus strand). Cytogenetic location: 1q32.1.
Variant type: single nucleotide variant.
Coding change: c.1004+1G>A on transcript NM_000069.3 (MANE Select); the canonical splice donor site of the intron after coding-DNA position 1004, G replaced by A.
Molecular consequence: splice donor variant.
Genome position (GRCh38, 1-based): chr1:201,087,825, C>T on the plus strand (G>A on the coding strand, the complement: CACNA1S is on the minus strand). VCF-style: chr1-201087825-C-T. GRCh37 (hg19) VCF-style: chr1-201056953-C-T.
Identifiers: ClinVar variation 4756513 (VCV004756513.1).

ClinVar aggregate classification (germline): Uncertain significance (1 of 4 stars; one submission).

Conditions:
Malignant hyperthermia, susceptibility to, 5 (MHS5). Also called: CACNA1S-Related Malignant Hyperthermia Susceptibility. Identifiers: Orphanet 423, MedGen C1866077, MONDO:0011163, OMIM 601887.

Submission:

Color Diagnostics, LLC DBA Color Health
Classification: Uncertain significance for Malignant hyperthermia, susceptibility to, 5. Last evaluated: 2025-09-24. Review status: criteria provided, single submitter. Criteria: ACMG Guidelines, 2015. Collection method: clinical testing. Allele origin: germline.
Comment: This variant causes a G to A nucleotide substitution at the +1 position of intron 7 in the CACNA1S gene. Splice site prediction tools suggest that this variant may abolish the canonical donor splice site and create a cryptic donor splice site. Use of the predicted cryptic donor splice site would result in the insertion of 15 nucleotides. To our knowledge, RNA studies have not been reported for this variant. This variant has not been reported in individuals affected with CACNA1S-related disorders in the literature. This variant has not been identified in the general population by the Genome Aggregation Database (gnomAD). Loss of CACNA1S gene function due to haploinsufficiency is not an established disease mechanism for autosomal dominant malignant hyperthermia susceptibility. Therefore, this variant is classified as a Variant of Uncertain Significance.